The following is an entry in ClinVar:

NM_006662.3(SRCAP):c.1492+31G>A

Gene: SRCAP (Snf2 related CREBBP activator protein; plus strand). Cytogenetic location: 16p11.2.
Variant type: single nucleotide variant.
Coding change: c.1492+31G>A on transcript NM_006662.3 (MANE Select); 31 bases into the intron after coding-DNA position 1492, G replaced by A.
Molecular consequence: intron variant.
Genome position (GRCh38, 1-based): chr16:30,711,775, G>A. VCF-style: chr16-30711775-G-A. GRCh37 (hg19) VCF-style: chr16-30723096-G-A.
Identifiers: ClinVar variation 1706859 (VCV001706859.2), dbSNP rs76081893, ClinGen allele CA8011003.
Genomic context (GRCh38, chr16:30,711,775, plus strand): 5'-CTCCTCAGGAGGATAGTAGCAGTCAGTCAGGTGAATATGTGGTCATGAAGCAGGAGCTGG[G>A]GAGGGTGGCCATTGGAAGAGCAGGTATGATGAGCAGTAAGCCTTGGTCTTACCCTTTAGA-3'

ClinVar aggregate classification (germline): Likely benign (1 of 4 stars; one submission).

Allele frequency attached by ClinVar (database versions not stated): gnomAD exomes 0.00119; ExAC 0.00410; gnomAD 0.01271; ESP Exome Variant Server 0.01285; TOPMed 0.01439; 1000 Genomes Project 0.01458; 1000 Genomes Project 30x 0.01530.
gnomAD v4.1: 3,754 of 1,610,310 alleles (0.23%); highest among the groups gnomAD compares: African/African-American, 4.2%; 65 homozygotes.

Submission:

GeneDx
Classification: Likely benign. Last evaluated: 2021-05-22. Review status: criteria provided, single submitter. Criteria: GeneDx Variant Classification Process June 2021. Collection method: clinical testing. Allele origin: germline. Affected: yes.
Comment: See Variant Classification Assertion Criteria.